The following is an entry in ClinVar:

NM_147127.5(EVC2):c.2707-137C>T

Gene: EVC2 (EvC ciliary complex subunit 2; minus strand). Cytogenetic location: 4p16.2.
Variant type: single nucleotide variant.
Coding change: c.2707-137C>T on transcript NM_147127.5 (MANE Select); 137 bases into the intron before coding-DNA position 2707, C replaced by T.
Molecular consequence: intron variant.
Genome position (GRCh38, 1-based): chr4:5,615,681, G>A on the plus strand (C>T on the coding strand, the complement: EVC2 is on the minus strand). VCF-style: chr4-5615681-G-A. GRCh37 (hg19) VCF-style: chr4-5617408-G-A.
Other names: c.2467-137C>T (NM_001166136.2).
Identifiers: ClinVar variation 673899 (VCV000673899.2), dbSNP rs74366739, ClinGen allele CA91694051.

ClinVar aggregate classification (germline): Benign. Review status: criteria provided, multiple submitters, no conflicts (2 of 4 stars). 2 submissions from 2 submitters: Benign (2). Last evaluated 2018-06-17.

Allele frequency attached by ClinVar (database versions not stated): gnomAD exomes 0.00406; gnomAD 0.03816 and 0.04077; TOPMed 0.04297; 1000 Genomes Project 0.04373; 1000 Genomes Project 30x 0.04606.
gnomAD v4.1: 10,377 of 1,226,978 alleles (0.85%); highest among the groups gnomAD compares: African/African-American, 13%; 574 homozygotes.

Submissions (2):

GeneDx
Classification: Benign. Last evaluated: 2018-06-17. Review status: criteria provided, single submitter. Criteria: GeneDx Variant Classification (06012015). Collection method: clinical testing. Allele origin: germline. Affected: yes.
Comment: This variant is considered likely benign or benign based on one or more of the following criteria: it is a conservative change, it occurs at a poorly conserved position in the protein, it is predicted to be benign by multiple in silico algorithms, and/or has population frequency not consistent with disease.

Breakthrough Genomics
Classification: Benign. Review status: criteria provided, single submitter. Criteria: ACMG Guidelines, 2015. Collection method: not provided. Allele origin: germline. Inheritance: Autosomal recessive inheritance. Affected: yes.